The following is an entry in ClinVar:

NM_000083.3(CLCN1):c.2083G>C (p.Glu695Gln)

Genes: CLCN1 (chloride voltage-gated channel 1; plus strand), LOC123956257 (Sharpr-MPRA regulatory region 4117; plus strand). Cytogenetic location: 7q34.
Variant type: single nucleotide variant.
Coding change: c.2083G>C on transcript NM_000083.3 (MANE Select); coding-DNA position 2083, G replaced by C.
Protein change: p.Glu695Gln; replaces glutamic acid 695 with glutamine.
Molecular consequence: missense variant. On other transcripts: non-coding transcript variant (1).
Genome position (GRCh38, 1-based): chr7:143,345,673, G>C. VCF-style: chr7-143345673-G-C. GRCh37 (hg19) VCF-style: chr7-143042766-G-C.
Other names: short protein forms E695Q.
Identifiers: ClinVar variation 2152939 (VCV002152939.2), dbSNP rs765869748, ClinGen allele CA369650294.
Genomic context (GRCh38, chr7:143,345,673, plus strand): 5'-CAAGAGATGGCGCGGAAGTTGTCGGAGCTGCCTTACGACGGGAAGGCGCGGCTGGCTGGG[G>C]AGGGGCTCCCCGGCGCGCCTCCAGGCCGGCCCGAGTCCTTCGCCTTTGTGGATGAGGATG-3'
Protein context (NP_000074.3, residues 685-705): PYDGKARLAG[Glu695Gln]GLPGAPPGRP

ClinVar aggregate classification (germline): Uncertain significance (1 of 4 stars; one submission).

Conditions:
Congenital myotonia, autosomal recessive form. Also called: BECKER DISEASE; Becker Generalized Myotonia; myotonia congenita, autosomal recessive. Identifiers: Orphanet 614, MedGen C0751360, MONDO:0009715, OMIM 255700.
Congenital myotonia, autosomal dominant form (THD). Also called: THOMSEN DISEASE; Myotonia congenita autosomal dominant. Identifiers: Orphanet 614, MedGen C2936781, MONDO:0008055, OMIM 160800.

Submission:

Labcorp Genetics (formerly Invitae), Labcorp
Classification: Uncertain significance for Congenital myotonia, autosomal recessive form; Congenital myotonia, autosomal dominant form. Last evaluated: 2022-08-08. Review status: criteria provided, single submitter. Criteria: Invitae Variant Classification Sherloc (09022015). Collection method: clinical testing. Allele origin: germline.
Comment: In summary, the available evidence is currently insufficient to determine the role of this variant in disease. Therefore, it has been classified as a Variant of Uncertain Significance. Advanced modeling of protein sequence and biophysical properties (such as structural, functional, and spatial information, amino acid conservation, physicochemical variation, residue mobility, and thermodynamic stability) performed at Invitae indicates that this missense variant is not expected to disrupt CLCN1 protein function. This variant has not been reported in the literature in individuals affected with CLCN1-related conditions. This variant is present in population databases (no rsID available, gnomAD 0.008%). This sequence change replaces glutamic acid, which is acidic and polar, with glutamine, which is neutral and polar, at codon 695 of the CLCN1 protein (p.Glu695Gln).